The following is an entry in ClinVar:

ClinVar aggregate classification (germline): Uncertain significance. Review status: criteria provided, multiple submitters, no conflicts (2 of 4 stars). 2 submissions from 2 submitters: Uncertain significance (2). Last evaluated 2023-08-20.

Conditions:
Inborn genetic diseases. Identifiers: MedGen C0950123, MeSH D030342.
Developmental and epileptic encephalopathy. Identifiers: MedGen C5779964, MONDO:0100620.

Allele frequency attached by ClinVar (database versions not stated): gnomAD exomes 0.00002; ExAC 0.00003; TOPMed 0.00003; gnomAD 0.00004 and 0.00005; ESP Exome Variant Server 0.00008; 1000 Genomes Project 30x 0.00016; 1000 Genomes Project 0.00020.
gnomAD v4.1: 32 of 1,613,398 alleles (0.002%); highest among the groups gnomAD compares: African/African-American, 0.0053%; no homozygotes.

Submissions (2):

Ambry Genetics
Classification: Uncertain significance for Inborn genetic diseases. Last evaluated: 2023-08-20. Review status: criteria provided, single submitter. Criteria: Ambry Variant Classification Scheme 2023. Collection method: clinical testing. Allele origin: germline.

Labcorp Genetics (formerly Invitae), Labcorp
Classification: Uncertain significance for Early-infantile DEE. Last evaluated: 2022-08-09. Review status: criteria provided, single submitter. Criteria: Invitae Variant Classification Sherloc (09022015). Collection method: clinical testing. Allele origin: germline.
Comment: In summary, the available evidence is currently insufficient to determine the role of this variant in disease. Therefore, it has been classified as a Variant of Uncertain Significance. Algorithms developed to predict the effect of missense changes on protein structure and function (SIFT, PolyPhen-2, Align-GVGD) all suggest that this variant is likely to be tolerated. ClinVar contains an entry for this variant (Variation ID: 645457). This variant has not been reported in the literature in individuals affected with SLC25A22-related conditions. This variant is present in population databases (rs139555989, gnomAD 0.01%). This sequence change replaces proline, which is neutral and non-polar, with leucine, which is neutral and non-polar, at codon 217 of the SLC25A22 protein (p.Pro217Leu).

NM_001191061.2(SLC25A22):c.650C>T (p.Pro217Leu)

Gene: SLC25A22 (solute carrier family 25 member 22; minus strand). Cytogenetic location: 11p15.5.
Variant type: single nucleotide variant.
Coding change: c.650C>T on transcript NM_001191061.2 (MANE Select); coding-DNA position 650, C replaced by T.
Protein change: p.Pro217Leu; replaces proline 217 with leucine.
Molecular consequence: missense variant.
Genome position (GRCh38, 1-based): chr11:792,396, G>A on the plus strand (C>T on the coding strand, the complement: SLC25A22 is on the minus strand). VCF-style: chr11-792396-G-A. GRCh37 (hg19) VCF-style: chr11-792396-G-A.
Other names: c.650C>T, p.Pro217Leu (NM_001191060.2, NM_024698.6); short protein forms P217L.
Identifiers: ClinVar variation 645457 (VCV000645457.7), dbSNP rs139555989, ClinGen allele CA5789109.